The following is an entry in ClinVar:

NM_020693.4(DSCAML1):c.-87G>A

Gene: DSCAML1 (DS cell adhesion molecule like 1; minus strand). Cytogenetic location: 11q23.3.
Variant type: single nucleotide variant.
Coding change: c.-87G>A on transcript NM_020693.4 (MANE Select); 87 bases upstream of the start codon, G replaced by A.
Molecular consequence: 5 prime UTR variant. On other transcripts: intron variant (1).
Genome position (GRCh38, 1-based): chr11:117,797,166, C>T on the plus strand (G>A on the coding strand, the complement: DSCAML1 is on the minus strand). VCF-style: chr11-117797166-C-T. GRCh37 (hg19) VCF-style: chr11-117667881-C-T.
Other names: c.-87G>A (NM_001367904.1); c.-362-16356G>A (NM_001367905.1); c.94G>A (NM_020693.2).
Identifiers: ClinVar variation 3011063 (VCV003011063.4), dbSNP rs988326411, ClinGen allele CA229418401.

ClinVar aggregate classification (germline): Uncertain significance. Review status: criteria provided, multiple submitters, no conflicts (2 of 4 stars). 2 submissions from 2 submitters: Uncertain significance (2). Last evaluated 2025-11-17.

Allele frequency attached by ClinVar (database versions not stated): gnomAD exomes below 0.00001; gnomAD 0.00002; TOPMed 0.00003.
gnomAD v4.1: 4 of 1,581,324 alleles (0.00025%); highest among the groups gnomAD compares: African/African-American, 0.0056%; no homozygotes.

Submissions (2):

Labcorp Genetics (formerly Invitae), Labcorp
Classification: Uncertain significance. Last evaluated: 2025-11-17. Review status: criteria provided, single submitter. Criteria: Invitae Variant Classification Sherloc (09022015). Collection method: clinical testing. Allele origin: germline.
Comment: This sequence change replaces glycine, which is neutral and non-polar, with serine, which is neutral and polar, at codon 32 of the DSCAML1 protein (p.Gly32Ser). The frequency data for this variant in the population databases is considered unreliable, as metrics indicate poor data quality at this position in the gnomAD database. This variant has not been reported in the literature in individuals affected with DSCAML1-related conditions. ClinVar contains an entry for this variant (Variation ID: 3011063). Experimental studies and prediction algorithms are not available or were not evaluated, and the functional significance of this variant is currently unknown. In summary, the available evidence is currently insufficient to determine the role of this variant in disease. Therefore, it has been classified as a Variant of Uncertain Significance.

Ambry Genetics
Classification: Uncertain significance. Last evaluated: 2025-01-28. Review status: criteria provided, single submitter. Criteria: Ambry Variant Classification Scheme 2023. Collection method: clinical testing. Allele origin: germline.